The following is an entry in ClinVar:

ClinVar aggregate classification (germline): Likely pathogenic (1 of 4 stars; one submission).

Submissions (2):

Labcorp Genetics (formerly Invitae), Labcorp
Classification: Likely pathogenic. Last evaluated: 2023-07-03. Review status: criteria provided, single submitter. Criteria: Invitae Variant Classification Sherloc (09022015). Collection method: clinical testing. Allele origin: germline.
Comment: This sequence change affects a donor splice site in intron 11 of the ATP8B1 gene. It is expected to disrupt RNA splicing. Variants that disrupt the donor or acceptor splice site typically lead to a loss of protein function (PMID: 16199547), and loss-of-function variants in ATP8B1 are known to be pathogenic (PMID: 15239083, 22525741). This variant is not present in population databases (gnomAD no frequency). This variant has not been reported in the literature in individuals affected with ATP8B1-related conditions. Algorithms developed to predict the effect of sequence changes on RNA splicing suggest that this variant may disrupt the consensus splice site. In summary, the currently available evidence indicates that the variant is pathogenic, but additional data are needed to prove that conclusively. Therefore, this variant has been classified as Likely Pathogenic.

Dr. Peter K. Rogan Lab, Western University
No classification provided (evidence only). Condition: Familial cancer of breast. Review status: no classification provided. Collection method: in vitro. Allele origin: not applicable. Functional consequence: skipped exon. Not counted in ClinVar's aggregate classification.

Literature cited by the submitters: PubMed 16199547 (cited by Labcorp Genetics (formerly Invitae), Labcorp); PubMed 15239083 (cited by Labcorp Genetics (formerly Invitae), Labcorp); PubMed 22525741 (cited by Labcorp Genetics (formerly Invitae), Labcorp).

NM_001374385.1(ATP8B1):c.1029+1G>A

Genes: ATP8B1 (ATPase phospholipid transporting 8B1; minus strand), LOC126862761 (CDK7 strongly-dependent group 2 enhancer GRCh37_chr18:55360919-55362118; plus strand). Cytogenetic location: 18q21.31.
Variant type: single nucleotide variant.
Coding change: c.1029+1G>A on transcript NM_001374385.1 (MANE Select); the canonical splice donor site of the intron after coding-DNA position 1029, G replaced by A.
Molecular consequence: splice donor variant.
Genome position (GRCh38, 1-based): chr18:57,694,581, C>T on the plus strand (G>A on the coding strand, the complement: ATP8B1 is on the minus strand). VCF-style: chr18-57694581-C-T. GRCh37 (hg19) VCF-style: chr18-55361813-C-T.
Other names: c.1029+1G>A (NM_005603.6); c.879+1G>A (NM_001374386.1).
Identifiers: ClinVar variation 2735130 (VCV002735130.4), dbSNP rs2511766728, ClinGen allele CA402540856.